The following is an entry in ClinVar:

ClinVar aggregate classification (germline): Uncertain significance (1 of 4 stars; one submission).

Conditions:
Hereditary cancer-predisposing syndrome. Also called: Neoplastic Syndromes, Hereditary; Tumor predisposition; Hereditary Cancer Syndrome; Hereditary neoplastic syndrome. Identifiers: Orphanet 140162, MedGen C0027672, MeSH D009386, MONDO:0015356.

Submission:

Ambry Genetics
Classification: Uncertain significance for Hereditary cancer-predisposing syndrome. Last evaluated: 2025-06-25. Review status: criteria provided, single submitter. Criteria: Ambry Variant Classification Scheme 2023. Collection method: clinical testing. Allele origin: germline.
Comment: The p.E205G variant (also known as c.614A>G), located in coding exon 3 of the TMEM127 gene, results from an A to G substitution at nucleotide position 614. The glutamic acid at codon 205 is replaced by glycine, an amino acid with similar properties. This amino acid position is conserved. In addition, this alteration is predicted to be deleterious by in silico analysis. Based on the available evidence, the clinical significance of this variant remains unclear.

NM_017849.4(TMEM127):c.614A>G (p.Glu205Gly)

Gene: TMEM127 (transmembrane protein 127; minus strand). Cytogenetic location: 2q11.2.
Variant type: single nucleotide variant.
Coding change: c.614A>G on transcript NM_017849.4 (MANE Select); coding-DNA position 614, A replaced by G.
Protein change: p.Glu205Gly; replaces glutamic acid 205 with glycine.
Molecular consequence: missense variant.
Genome position (GRCh38, 1-based): chr2:96,253,911, T>C on the plus strand (A>G on the coding strand, the complement: TMEM127 is on the minus strand). VCF-style: chr2-96253911-T-C. GRCh37 (hg19) VCF-style: chr2-96919649-T-C.
Other names: c.614A>G, p.Glu205Gly (NM_001193304.3); c.362A>G, p.Glu121Gly (NM_001407282.1, NM_001407283.1); short protein forms E121G, E205G.
Identifiers: ClinVar variation 4185904 (VCV004185904.1).